The following is an entry in ClinVar:

ClinVar aggregate classification (germline): Uncertain significance. Review status: criteria provided, multiple submitters, no conflicts (2 of 4 stars). 2 submissions from 2 submitters: Uncertain significance (2). Last evaluated 2023-03-13.

Conditions:
Inborn genetic diseases. Identifiers: MedGen C0950123, MeSH D030342.

Allele frequency attached by ClinVar (database versions not stated): gnomAD exomes 0.00004; TOPMed 0.00005; ExAC 0.00006; gnomAD 0.00006 and 0.00007; ESP Exome Variant Server 0.00008.
gnomAD v4.1: 121 of 1,613,332 alleles (0.0075%); highest among the groups gnomAD compares: Non-Finnish European, 0.0094%; no homozygotes.

Submissions (2):

Ambry Genetics
Classification: Uncertain significance for Inborn genetic diseases. Last evaluated: 2023-03-13. Review status: criteria provided, single submitter. Criteria: Ambry Variant Classification Scheme 2023. Collection method: clinical testing. Allele origin: germline.

Labcorp Genetics (formerly Invitae), Labcorp
Classification: Uncertain significance. Last evaluated: 2023-02-16. Review status: criteria provided, single submitter. Criteria: Invitae Variant Classification Sherloc (09022015). Collection method: clinical testing. Allele origin: germline.
Comment: This sequence change replaces threonine, which is neutral and polar, with methionine, which is neutral and non-polar, at codon 547 of the TRAF3IP1 protein (p.Thr547Met). This variant is present in population databases (rs141425726, gnomAD 0.01%). This variant has not been reported in the literature in individuals affected with TRAF3IP1-related conditions. ClinVar contains an entry for this variant (Variation ID: 1037148). Advanced modeling of protein sequence and biophysical properties (such as structural, functional, and spatial information, amino acid conservation, physicochemical variation, residue mobility, and thermodynamic stability) performed at Invitae indicates that this missense variant is expected to disrupt TRAF3IP1 protein function. In summary, the available evidence is currently insufficient to determine the role of this variant in disease. Therefore, it has been classified as a Variant of Uncertain Significance.

NM_015650.4(TRAF3IP1):c.1640C>T (p.Thr547Met)

Gene: TRAF3IP1 (TRAF3 interacting protein 1; plus strand). Cytogenetic location: 2q37.3.
Variant type: single nucleotide variant.
Coding change: c.1640C>T on transcript NM_015650.4 (MANE Select); coding-DNA position 1640, C replaced by T.
Protein change: p.Thr547Met; replaces threonine 547 with methionine.
Molecular consequence: missense variant.
Genome position (GRCh38, 1-based): chr2:238,356,031, C>T. VCF-style: chr2-238356031-C-T. GRCh37 (hg19) VCF-style: chr2-239264672-C-T.
Other names: c.1442C>T, p.Thr481Met (NM_001139490.1); c.1640C>T (NM_015650.3); short protein forms T481M, T547M.
Identifiers: ClinVar variation 1037148 (VCV001037148.7), dbSNP rs141425726, ClinGen allele CA2198526.